The following is an entry in ClinVar:

ClinVar aggregate classification (germline): Pathogenic (1 of 4 stars; one submission).

Submission:

Labcorp Genetics (formerly Invitae), Labcorp
Classification: Pathogenic. Last evaluated: 2025-02-10. Review status: criteria provided, single submitter. Criteria: Invitae Variant Classification Sherloc (09022015). Collection method: clinical testing. Allele origin: germline.
Comment: This sequence change creates a premature translational stop signal (p.Asn290Glnfs*53) in the MYCN gene. While this is not anticipated to result in nonsense mediated decay, it is expected to disrupt the last 175 amino acid(s) of the MYCN protein. This variant is not present in population databases (gnomAD no frequency). This variant has not been reported in the literature in individuals affected with MYCN-related conditions. This variant disrupts a region of the MYCN protein in which other variant(s) (p.Arg373*) have been determined to be pathogenic (PMID: 15821734). This suggests that this is a clinically significant region of the protein, and that variants that disrupt it are likely to be disease-causing. For these reasons, this variant has been classified as Pathogenic.

Literature cited by the submitters: PubMed 15821734.

NM_005378.6(MYCN):c.867dup (p.Asn290fs)

Gene: MYCN (MYCN proto-oncogene, bHLH transcription factor; plus strand). Cytogenetic location: 2p24.3.
Variant type: Duplication.
Coding change: c.867dup on transcript NM_005378.6 (MANE Select); coding-DNA position 867, one base duplicated (C; older notation c.867dupC).
Protein change: p.Asn290fs; shifts the reading frame from asparagine 290.
Molecular consequence: frameshift variant. On other transcripts: 3 prime UTR variant (1).
Genome position (GRCh38, 1-based): chr2:15,945,569, C duplicated; the last of 2 consecutive C bases (chr2:15,945,568-15,945,569); duplicating either gives the same sequence. VCF-style (leftmost placement, unchanged base first): chr2-15945567-T-TC. GRCh37 (hg19) VCF-style: chr2-16085689-T-TC.
Other names: c.867dup, p.Asn290fs (NM_001293228.2); c.234dup, p.Asn79fs (NM_001293231.2); c.*802dup (NM_001293233.2); short protein forms N79fs, N290fs.
Identifiers: ClinVar variation 4712712 (VCV004712712.1).